The following is an entry in ClinVar:

ClinVar aggregate classification (germline): Uncertain significance (1 of 4 stars; one submission).

Conditions:
Inborn genetic diseases. Identifiers: MedGen C0950123, MeSH D030342.

gnomAD v4.1: 2 of 1,608,996 alleles (0.00012%); highest among the groups gnomAD compares: South Asian, 0.0022%; no homozygotes.

Submission:

Ambry Genetics
Classification: Uncertain significance for Inborn genetic diseases. Last evaluated: 2026-03-29. Review status: criteria provided, single submitter. Criteria: Ambry Variant Classification Scheme 2023. Collection method: clinical testing. Allele origin: germline.
Comment: The p.E595Q variant (also known as c.1783G>C), located in coding exon 10 of the FANCM gene, results from a G to C substitution at nucleotide position 1783. The glutamic acid at codon 595 is replaced by glutamine, an amino acid with highly similar properties. This amino acid position is conserved. In addition, this alteration is predicted to be tolerated by in silico analysis. Based on the available evidence, the clinical significance of this variant remains unclear.

NM_020937.4(FANCM):c.1783G>C (p.Glu595Gln)

Gene: FANCM (FA complementation group M; plus strand). Cytogenetic location: 14q21.2.
Variant type: single nucleotide variant.
Coding change: c.1783G>C on transcript NM_020937.4 (MANE Select); coding-DNA position 1783, G replaced by C.
Protein change: p.Glu595Gln; replaces glutamic acid 595 with glutamine.
Molecular consequence: missense variant.
Genome position (GRCh38, 1-based): chr14:45,164,560, G>C. VCF-style: chr14-45164560-G-C. GRCh37 (hg19) VCF-style: chr14-45633763-G-C.
Other names: c.1705G>C, p.Glu569Gln (NM_001308133.2); c.1783G>C, p.Glu595Gln (NM_001308134.2); short protein forms E569Q, E595Q.
Identifiers: ClinVar variation 4871048 (VCV004871048.1).
Genomic context (GRCh38, chr14:45,164,560, plus strand): 5'-GGTAGAACTGGCCGTAAACGTCAAGGCAGGATAGTTATTATCCTTTCTGAAGGACGAGAG[G>C]AACGTGTAAGTAGAGCTGCAGAAACACAATTTGACACTTGAAATTTGAGAAATACAGCCC-3'
Protein context (NP_065988.1, residues 585-605): IVIILSEGRE[Glu595Gln]RIYNQSQSNK